The following is an entry in ClinVar:

NM_001377229.1(DISP1):c.3931G>A (p.Gly1311Ser)

Gene: DISP1 (dispatched RND transporter family member 1; plus strand). Cytogenetic location: 1q41.
Variant type: single nucleotide variant.
Coding change: c.3931G>A on transcript NM_001377229.1 (MANE Select); coding-DNA position 3931, G replaced by A.
Protein change: p.Gly1311Ser; replaces glycine 1311 with serine.
Molecular consequence: missense variant.
Genome position (GRCh38, 1-based): chr1:223,005,328, G>A. VCF-style: chr1-223005328-G-A. GRCh37 (hg19) VCF-style: chr1-223178670-G-A.
Other names: c.3202G>A, p.Gly1068Ser (NM_001350630.2); c.3931G>A, p.Gly1311Ser (NM_001369594.1, NM_001377228.1, NM_032890.5); short protein forms G1068S, G1311S.
Identifiers: ClinVar variation 746888 (VCV000746888.12), dbSNP rs143356409, ClinGen allele CA1409501.

ClinVar aggregate classification (germline): Conflicting classifications of pathogenicity. Review status: criteria provided, conflicting classifications (1 of 4 stars). 3 submissions from 3 submitters: Uncertain significance (2); Likely benign (1). Last evaluated 2025-09-25.

Allele frequency attached by ClinVar (database versions not stated): gnomAD exomes 0.00009 and 0.00023; ExAC 0.00026; gnomAD 0.00091 and 0.00106; ESP Exome Variant Server 0.00092; 1000 Genomes Project 30x 0.00094; TOPMed 0.00096; 1000 Genomes Project 0.00100.
gnomAD v4.1: 276 of 1,613,544 alleles (0.017%); highest among the groups gnomAD compares: African/African-American, 0.32%; 2 homozygotes.

Submissions (3):

Ambry Genetics
Classification: Uncertain significance. Last evaluated: 2025-09-25. Review status: criteria provided, single submitter. Criteria: Ambry Variant Classification Scheme 2023. Collection method: clinical testing. Allele origin: germline.

Labcorp Genetics (formerly Invitae), Labcorp
Classification: Likely benign. Last evaluated: 2025-04-17. Review status: criteria provided, single submitter. Criteria: Invitae Variant Classification Sherloc (09022015). Collection method: clinical testing. Allele origin: germline.

GeneDx
Classification: Uncertain significance. Last evaluated: 2019-05-03. Review status: criteria provided, single submitter. Criteria: GeneDx Variant Classification Process June 2021. Collection method: clinical testing. Allele origin: germline. Affected: yes.
Comment: In silico analysis, which includes protein predictors and evolutionary conservation, supports that this variant does not alter protein structure/function; Has not been previously published as pathogenic or benign to our knowledge